The following is an entry in ClinVar:

NM_000166.6(GJB1):c.372G>C (p.Lys124Asn)

Gene: GJB1 (gap junction protein beta 1; plus strand). Cytogenetic location: Xq13.1.
Variant type: single nucleotide variant.
Coding change: c.372G>C on transcript NM_000166.6 (MANE Select); coding-DNA position 372, G replaced by C.
Protein change: p.Lys124Asn; replaces lysine 124 with asparagine.
Molecular consequence: missense variant.
Genome position (GRCh38, 1-based): chrX:71,224,079, G>C. VCF-style: chrX-71224079-G-C. GRCh37 (hg19) VCF-style: chrX-70443929-G-C.
Other names: c.372G>C, p.Lys124Asn (NM_001097642.3); short protein forms K124N.
Identifiers: ClinVar variation 234611 (VCV000234611.12), dbSNP rs876661119, ClinGen allele CA10577658.
Genomic context (GRCh38, chrX:71,224,079, plus strand): 5'-AATGCTACGGCTTGAGGGCCATGGGGACCCCCTACACCTGGAGGAGGTGAAGAGGCACAA[G>C]GTCCACATCTCAGGGACACTGTGGTGGACCTATGTCATCAGCGTGGTGTTCCGGCTGTTG-3'
Protein context (NP_000157.1, residues 114-134): PLHLEEVKRH[Lys124Asn]VHISGTLWWT

ClinVar aggregate classification (germline): Likely pathogenic. Review status: criteria provided, multiple submitters, no conflicts (2 of 4 stars). 3 submissions from 3 submitters: Likely pathogenic (2). 1 of the submissions does not count toward it. Last evaluated 2025-09-10.

Conditions:
Charcot-Marie-Tooth disease. Also called: Charcot-Marie-Tooth Hereditary Neuropathy; Charcot-Marie-Tooth Neuropathy. Identifiers: Orphanet 166, MedGen C0007959, MONDO:0015626.
Charcot-Marie-Tooth Neuropathy X. Identifiers: MedGen CN118851.

Submissions (3):

Labcorp Genetics (formerly Invitae), Labcorp
Classification: Likely pathogenic for Charcot-Marie-Tooth Neuropathy X. Last evaluated: 2025-09-10. Review status: criteria provided, single submitter. Criteria: Invitae Variant Classification Sherloc (09022015). Collection method: clinical testing. Allele origin: germline.
Comment: This sequence change replaces lysine, which is basic and polar, with asparagine, which is neutral and polar, at codon 124 of the GJB1 protein (p.Lys124Asn). This variant is not present in population databases (gnomAD no frequency). This missense change has been observed in individuals with clinical features of X-linked Charcot-Marie-Tooth disease (PMID: 9361298; internal data). It has also been observed to segregate with disease in related individuals. ClinVar contains an entry for this variant (Variation ID: 234611). Invitae Evidence Modeling of protein sequence and biophysical properties (such as structural, functional, and spatial information, amino acid conservation, physicochemical variation, residue mobility, and thermodynamic stability) has been performed for this missense variant. However, the output from this modeling did not meet the statistical confidence thresholds required to predict the impact of this variant on GJB1 protein function. This variant disrupts the p.Lys124 amino acid residue in GJB1. Other variant(s) that disrupt this residue have been observed in individuals with GJB1-related conditions (PMID: 27234031), which suggests that this may be a clinically significant amino acid residue. In summary, the currently available evidence indicates that the variant is pathogenic, but additional data are needed to prove that conclusively. Therefore, this variant has been classified as Likely Pathogenic.

GeneDx
Classification: Likely pathogenic. Last evaluated: 2025-08-09. Review status: criteria provided, single submitter. Criteria: GeneDx Variant Classification Process June 2021. Collection method: clinical testing. Allele origin: germline. Affected: yes.
Comment: Reported in association with CMTX, although further patient-specific details were not provided (PMID: 9361298); Not observed at significant frequency in large population cohorts (gnomAD); Missense variants in this gene are a common cause of disease and they are underrepresented in the general population; Published functional studies suggest this variant is expected to decrease helical content in the Cx32-CL2 peptide; however, further studies are needed (PMID: 19226516); In silico analysis suggests that this missense variant does not alter protein structure/function; This variant is associated with the following publications: (PMID: 19226516, 9361298)

Inherited Neuropathy Consortium
Classification: Uncertain significance for Charcot-Marie-Tooth disease. Review status: no assertion criteria provided. Collection method: literature only. Allele origin: germline. Affected: yes. Not counted in ClinVar's aggregate classification.

Literature cited by the submitters: PubMed 9361298 (cited by Labcorp Genetics (formerly Invitae), Labcorp and Inherited Neuropathy Consortium); PubMed 27234031 (cited by Labcorp Genetics (formerly Invitae), Labcorp).